The following is an entry in ClinVar:

ClinVar aggregate classification (germline): Uncertain significance (1 of 4 stars; one submission).

gnomAD v4.1: 4 of 1,266,814 alleles (0.00032%); highest among the groups gnomAD compares: Non-Finnish European, 0.0004%; no homozygotes.

Submission:

Labcorp Genetics (formerly Invitae), Labcorp
Classification: Uncertain significance. Last evaluated: 2025-11-04. Review status: criteria provided, single submitter. Criteria: Invitae Variant Classification Sherloc (09022015). Collection method: clinical testing. Allele origin: germline.
Comment: This sequence change replaces arginine, which is basic and polar, with glycine, which is neutral and non-polar, at codon 5 of the TONSL protein (p.Arg5Gly). This variant is not present in population databases (gnomAD no frequency). This variant has not been reported in the literature in individuals affected with TONSL-related conditions. An algorithm developed to predict the effect of missense changes on protein structure and function (PolyPhen-2) suggests that this variant is likely to be disruptive. In summary, the available evidence is currently insufficient to determine the role of this variant in disease. Therefore, it has been classified as a Variant of Uncertain Significance.

NM_013432.5(TONSL):c.13C>G (p.Arg5Gly)

Genes: TONSL (tonsoku like, DNA repair protein; minus strand), LOC130001399 (ATAC-STARR-seq lymphoblastoid silent region 19685; plus strand). Cytogenetic location: 8q24.3.
Variant type: single nucleotide variant.
Coding change: c.13C>G on transcript NM_013432.5 (MANE Select); coding-DNA position 13, C replaced by G.
Protein change: p.Arg5Gly; replaces arginine 5 with glycine.
Molecular consequence: missense variant.
Genome position (GRCh38, 1-based): chr8:144,444,402, G>C on the plus strand (C>G on the coding strand, the complement: TONSL is on the minus strand). VCF-style: chr8-144444402-G-C. GRCh37 (hg19) VCF-style: chr8-145669785-G-C.
Other names: short protein forms R5G.
Identifiers: ClinVar variation 4730461 (VCV004730461.1).